The following is an entry in ClinVar:

ClinVar aggregate classification (germline): Uncertain significance (1 of 4 stars; one submission).

Allele frequency attached by ClinVar (database versions not stated): TOPMed 0.00003.
gnomAD v4.1: 4 of 1,584,088 alleles (0.00025%); highest among the groups gnomAD compares: African/African-American, 0.0054%; no homozygotes.

Submission:

Labcorp Genetics (formerly Invitae), Labcorp
Classification: Uncertain significance. Last evaluated: 2022-09-02. Review status: criteria provided, single submitter. Criteria: Invitae Variant Classification Sherloc (09022015). Collection method: clinical testing. Allele origin: germline.
Comment: This sequence change replaces serine, which is neutral and polar, with isoleucine, which is neutral and non-polar, at codon 12 of the RP1L1 protein (p.Ser12Ile). This variant is present in population databases (no rsID available, gnomAD 0.009%). In summary, the available evidence is currently insufficient to determine the role of this variant in disease. Therefore, it has been classified as a Variant of Uncertain Significance. Advanced modeling of protein sequence and biophysical properties (such as structural, functional, and spatial information, amino acid conservation, physicochemical variation, residue mobility, and thermodynamic stability) performed at Invitae indicates that this missense variant is not expected to disrupt RP1L1 protein function. This variant has not been reported in the literature in individuals affected with RP1L1-related conditions.

NM_178857.6(RP1L1):c.35G>T (p.Ser12Ile)

Gene: RP1L1 (RP1 like 1). Cytogenetic location: 8p23.1.
Variant type: single nucleotide variant.
Coding change: c.35G>T on transcript NM_178857.6 (MANE Select); coding-DNA position 35, G replaced by T.
Protein change: p.Ser12Ile; replaces serine 12 with isoleucine.
Molecular consequence: missense variant.
Genome position (GRCh38, 1-based): chr8:10,623,167, C>A on the plus strand (G>T on the coding strand, the complement: RP1L1 is on the minus strand). VCF-style: chr8-10623167-C-A. GRCh37 (hg19) VCF-style: chr8-10480677-C-A.
Other names: short protein forms S12I.
Identifiers: ClinVar variation 1969429 (VCV001969429.5), dbSNP rs371377638, ClinGen allele CA171955023.